The following is an entry in ClinVar:

ClinVar aggregate classification (germline): Conflicting classifications of pathogenicity. Review status: criteria provided, conflicting classifications (1 of 4 stars). 2 submissions from 2 submitters: Likely pathogenic (1); Uncertain significance (1). Last evaluated 2025-09-10.

Conditions:
GNE myopathy (NM). Also called: INCLUSION BODY MYOPATHY, HEREDITARY, AUTOSOMAL RECESSIVE; INCLUSION BODY MYOPATHY 2, AUTOSOMAL RECESSIVE; MYOPATHY, DISTAL, WITH OR WITHOUT RIMMED VACUOLES; NONAKA DISTAL MYOPATHY; IBM 2; Inclusion body myopathy autosomal recessive. Identifiers: Orphanet 602, MedGen C1853926, MONDO:0011603, OMIM 605820.
Sialuria. Also called: SIALURIA, FRENCH TYPE; Sialic Acid Storage Disease. Identifiers: Orphanet 3166, MedGen C0342853, MONDO:0010028, OMIM 269921.

gnomAD v4.1: 1 of 1,614,154 alleles (0.000062%); highest among the groups gnomAD compares: Middle Eastern, 0.016%; no homozygotes.

Submissions (2):

Genomic Medicine Center of Excellence, King Faisal Specialist Hospital and Research Centre
Classification: Likely pathogenic for GNE myopathy. Last evaluated: 2025-09-10. Review status: criteria provided, single submitter. Criteria: ACMG Guidelines, 2015. Collection method: clinical testing. Allele origin: germline.

Labcorp Genetics (formerly Invitae), Labcorp
Classification: Uncertain significance for Sialuria; GNE myopathy. Last evaluated: 2024-12-12. Review status: criteria provided, single submitter. Criteria: Invitae Variant Classification Sherloc (09022015). Collection method: clinical testing. Allele origin: germline.
Comment: This sequence change replaces aspartic acid, which is acidic and polar, with histidine, which is basic and polar, at codon 606 of the GNE protein (p.Asp606His). This variant is not present in population databases (gnomAD no frequency). This variant has not been reported in the literature in individuals affected with GNE-related conditions. Invitae Evidence Modeling of protein sequence and biophysical properties (such as structural, functional, and spatial information, amino acid conservation, physicochemical variation, residue mobility, and thermodynamic stability) has been performed for this missense variant. However, the output from this modeling did not meet the statistical confidence thresholds required to predict the impact of this variant on GNE protein function. In summary, the available evidence is currently insufficient to determine the role of this variant in disease. Therefore, it has been classified as a Variant of Uncertain Significance.

NM_005476.7(GNE):c.1723G>C (p.Asp575His)

Gene: GNE (glucosamine (UDP-N-acetyl)-2-epimerase/N-acetylmannosamine kinase; minus strand). Cytogenetic location: 9p13.3.
Variant type: single nucleotide variant.
Coding change: c.1723G>C on transcript NM_005476.7 (MANE Select); coding-DNA position 1723, G replaced by C.
Protein change: p.Asp575His; replaces aspartic acid 575 with histidine.
Molecular consequence: missense variant.
Genome position (GRCh38, 1-based): chr9:36,219,931, C>G on the plus strand (G>C on the coding strand, the complement: GNE is on the minus strand). VCF-style: chr9-36219931-C-G. GRCh37 (hg19) VCF-style: chr9-36219928-C-G.
Other names: c.1816G>C, p.Asp606His (NM_001128227.3); c.1501G>C, p.Asp501His (NM_001190383.3); c.1393G>C, p.Asp465His (NM_001190384.3); c.1546G>C, p.Asp516His (NM_001190388.2, NM_001374798.1); c.1570G>C, p.Asp524His (NM_001374797.1); short protein forms D465H, D501H, D516H, D524H, D575H, D606H.
Identifiers: ClinVar variation 3760968 (VCV003760968.3).
Genomic context (GRCh38, chr9:36,219,931, plus strand): 5'-CCATTCCAGAGGCGTATGCTTCAATGCACCCATGGCTTCCACAGGAACAATCAGGCCCAT[C>G]CAGAGACACAACAAGGTGGCCCAGTTCTGCAGCACAGAAGGAGCTTCCGTGGATCAATTC-3'
Protein context (NP_005467.1, residues 565-585): AELGHLVVSL[Asp575His]GPDCSCGSHG